The following is an entry in ClinVar:

NM_000059.4(BRCA2):c.7334G>A (p.Ser2445Asn)

Gene: BRCA2 (BRCA2 DNA repair associated; plus strand). Cytogenetic location: 13q13.1.
Variant type: single nucleotide variant.
Coding change: c.7334G>A on transcript NM_000059.4 (MANE Select); coding-DNA position 7334, G replaced by A.
Protein change: p.Ser2445Asn; replaces serine 2445 with asparagine.
Molecular consequence: missense variant.
Genome position (GRCh38, 1-based): chr13:32,355,187, G>A. VCF-style: chr13-32355187-G-A. GRCh37 (hg19) VCF-style: chr13-32929324-G-A.
Other names: short protein forms S2445N.
Identifiers: ClinVar variation 926682 (VCV000926682.10), dbSNP rs2072682728, ClinGen allele CA387741205.

ClinVar aggregate classification (germline): Uncertain significance. Review status: criteria provided, multiple submitters, no conflicts (2 of 4 stars). 4 submissions from 4 submitters: Uncertain significance (4). Last evaluated 2025-04-03.

Conditions:
Hereditary breast ovarian cancer syndrome. Also called: Hereditary breast and ovarian cancer syndrome; BRCA1- and BRCA2-Associated Hereditary Breast and Ovarian Cancer; Hereditary breast and ovarian cancer; Hereditary breast and ovarian cancer syndrome (HBOC); Breast and ovarian cancer; Hereditary breast and/or ovarian cancer syndrome. Identifiers: Orphanet 145, MedGen C0677776, MeSH D061325, MONDO:0003582. Disease mechanism: loss of function.
Hereditary cancer-predisposing syndrome. Also called: Neoplastic Syndromes, Hereditary; Tumor predisposition; Hereditary Cancer Syndrome; Hereditary neoplastic syndrome. Identifiers: Orphanet 140162, MedGen C0027672, MeSH D009386, MONDO:0015356.

Allele frequency attached by ClinVar (database versions not stated): gnomAD exomes below 0.00001.
gnomAD v4.1: 1 of 1,576,350 alleles (0.000063%); highest among the groups gnomAD compares: Non-Finnish European, 0.000086%; no homozygotes.

Submissions (4):

Ambry Genetics
Classification: Uncertain significance for Hereditary cancer-predisposing syndrome. Last evaluated: 2025-04-03. Review status: criteria provided, single submitter. Criteria: Ambry Variant Classification Scheme 2023. Collection method: clinical testing. Allele origin: germline.
Comment: The p.S2445N variant (also known as c.7334G>A), located in coding exon 13 of the BRCA2 gene, results from a G to A substitution at nucleotide position 7334. The serine at codon 2445 is replaced by asparagine, an amino acid with highly similar properties. This amino acid position is conserved. In addition, this alteration is predicted to be tolerated by in silico analysis. Based on the available evidence, the clinical significance of this variant remains unclear.

Color Diagnostics, LLC DBA Color Health
Classification: Uncertain significance for Hereditary cancer-predisposing syndrome. Last evaluated: 2023-12-04. Review status: criteria provided, single submitter. Criteria: ACMG Guidelines, 2015. Collection method: clinical testing. Allele origin: germline.
Comment: This missense variant replaces serine with asparagine at codon 2445 of the BRCA2 protein. Computational prediction suggests that this variant may not impact protein structure and function (internally defined REVEL score threshold <= 0.5, PMID: 27666373). To our knowledge, functional studies have not been reported for this variant. This variant has not been reported in individuals affected with BRCA2-related disorders in the literature. This variant has not been identified in the general population by the Genome Aggregation Database (gnomAD). The available evidence is insufficient to determine the role of this variant in disease conclusively. Therefore, this variant is classified as a Variant of Uncertain Significance.

Labcorp Genetics (formerly Invitae), Labcorp
Classification: Uncertain significance for Hereditary breast ovarian cancer syndrome. Last evaluated: 2023-04-08. Review status: criteria provided, single submitter. Criteria: Invitae Variant Classification Sherloc (09022015). Collection method: clinical testing. Allele origin: germline.
Comment: In summary, the available evidence is currently insufficient to determine the role of this variant in disease. Therefore, it has been classified as a Variant of Uncertain Significance. Advanced modeling of protein sequence and biophysical properties (such as structural, functional, and spatial information, amino acid conservation, physicochemical variation, residue mobility, and thermodynamic stability) performed at Invitae indicates that this missense variant is not expected to disrupt BRCA2 protein function. ClinVar contains an entry for this variant (Variation ID: 926682). This variant has not been reported in the literature in individuals affected with BRCA2-related conditions. This variant is not present in population databases (gnomAD no frequency). This sequence change replaces serine, which is neutral and polar, with asparagine, which is neutral and polar, at codon 2445 of the BRCA2 protein (p.Ser2445Asn).

Revvity Omics, Revvity
Classification: Uncertain significance. Last evaluated: 2023-03-28. Review status: criteria provided, single submitter. Criteria: ACMG Guidelines, 2015. Collection method: clinical testing. Allele origin: germline.